The following is an entry in ClinVar:

NM_006206.6(PDGFRA):c.2555A>C (p.Lys852Thr)

Gene: PDGFRA (platelet derived growth factor receptor alpha; plus strand). Cytogenetic location: 4q12.
Variant type: single nucleotide variant.
Coding change: c.2555A>C on transcript NM_006206.6 (MANE Select); coding-DNA position 2555, A replaced by C.
Protein change: p.Lys852Thr; replaces lysine 852 with threonine.
Molecular consequence: missense variant.
Genome position (GRCh38, 1-based): chr4:54,285,956, A>C. VCF-style: chr4-54285956-A-C. GRCh37 (hg19) VCF-style: chr4-55152123-A-C.
Other names: c.2630A>C, p.Lys877Thr (NM_001347828.2); c.2555A>C, p.Lys852Thr (NM_001347829.2); c.2594A>C, p.Lys865Thr (NM_001347830.2); short protein forms K852T, K865T, K877T.
Identifiers: ClinVar variation 3225287 (VCV003225287.1), dbSNP rs2475549445, ClinGen allele CA356895096.
Genomic context (GRCh38, chr4:54,285,956, plus strand): 5'-TGAAGATCTGTGACTTTGGCCTGGCCAGAGACATCATGCATGATTCGAACTATGTGTCGA[A>C]AGGCAGTGTACGTCCTCACTTCCCTCACTGGTCAGGCTCATCCTCCTTCACTTTAATCTC-3'
Protein context (NP_006197.1, residues 842-862): DIMHDSNYVS[Lys852Thr]GSTFLPVKWM

ClinVar aggregate classification (germline): Uncertain significance (1 of 4 stars; one submission).

Conditions:
Hereditary cancer-predisposing syndrome. Also called: Neoplastic Syndromes, Hereditary; Tumor predisposition; Hereditary neoplastic syndrome; Hereditary Cancer Syndrome. Identifiers: Orphanet 140162, MedGen C0027672, MeSH D009386, MONDO:0015356.

Submission:

Ambry Genetics
Classification: Uncertain significance for Hereditary cancer-predisposing syndrome. Last evaluated: 2024-01-19. Review status: criteria provided, single submitter. Criteria: Ambry Variant Classification Scheme 2023. Collection method: clinical testing. Allele origin: germline.
Comment: The p.K852T variant (also known as c.2555A>C), located in coding exon 17 of the PDGFRA gene, results from an A to C substitution at nucleotide position 2555. The lysine at codon 852 is replaced by threonine, an amino acid with similar properties. This amino acid position is conserved. In addition, this alteration is predicted to be deleterious by in silico analysis. Based on the available evidence, the clinical significance of this alteration remains unclear.